The following is an entry in ClinVar:

NM_052859.4(RFT1):c.1052C>G (p.Ser351Cys)

Gene: RFT1 (RFT1 glycolipid translocator homolog; minus strand). Cytogenetic location: 3p21.1.
Variant type: single nucleotide variant.
Coding change: c.1052C>G on transcript NM_052859.4 (MANE Select); coding-DNA position 1052, C replaced by G.
Protein change: p.Ser351Cys; replaces serine 351 with cysteine.
Molecular consequence: missense variant.
Genome position (GRCh38, 1-based): chr3:53,104,003, G>C on the plus strand (C>G on the coding strand, the complement: RFT1 is on the minus strand). VCF-style: chr3-53104003-G-C. GRCh37 (hg19) VCF-style: chr3-53138019-G-C.
Other names: short protein forms S351C.
Identifiers: ClinVar variation 2091395 (VCV002091395.4), dbSNP rs2470962551, ClinGen allele CA353228905.

ClinVar aggregate classification (germline): Uncertain significance (1 of 4 stars; one submission).

Conditions:
RFT1-congenital disorder of glycosylation (CDG1N). Also called: RFT1-CDG; Congenital disorder of glycosylation type In; CDG In. Identifiers: Orphanet 244310, MedGen C2677590, MONDO:0012783, OMIM 612015.

Submission:

Labcorp Genetics (formerly Invitae), Labcorp
Classification: Uncertain significance for RFT1-congenital disorder of glycosylation. Last evaluated: 2022-07-11. Review status: criteria provided, single submitter. Criteria: Invitae Variant Classification Sherloc (09022015). Collection method: clinical testing. Allele origin: germline.
Comment: In summary, the available evidence is currently insufficient to determine the role of this variant in disease. Therefore, it has been classified as a Variant of Uncertain Significance. Algorithms developed to predict the effect of missense changes on protein structure and function (SIFT, PolyPhen-2, Align-GVGD) all suggest that this variant is likely to be disruptive. This variant has not been reported in the literature in individuals affected with RFT1-related conditions. This variant is not present in population databases (gnomAD no frequency). This sequence change replaces serine, which is neutral and polar, with cysteine, which is neutral and slightly polar, at codon 351 of the RFT1 protein (p.Ser351Cys).